The following is an entry in ClinVar:

ClinVar aggregate classification (germline): Uncertain significance (1 of 4 stars; one submission).

Conditions:
Lethal congenital glycogen storage disease of heart. Also called: GLYCOGEN STORAGE DISEASE OF HEART; PHOSPHORYLASE KINASE DEFICIENCY OF HEART. Identifiers: Orphanet 439854, MedGen C1849813, MONDO:0009867, OMIM 261740.

gnomAD v4.1: 1 of 1,613,084 alleles (0.000062%); highest among the groups gnomAD compares: East Asian, 0.0022%; no homozygotes.

Submission:

Labcorp Genetics (formerly Invitae), Labcorp
Classification: Uncertain significance for Lethal congenital glycogen storage disease of heart. Last evaluated: 2026-01-14. Review status: criteria provided, single submitter. Criteria: Invitae Variant Classification Sherloc (09022015). Collection method: clinical testing. Allele origin: germline.
Comment: This sequence change replaces methionine, which is neutral and non-polar, with leucine, which is neutral and non-polar, at codon 412 of the PRKAG2 protein (p.Met412Leu). This variant is not present in population databases (gnomAD no frequency). This variant has not been reported in the literature in individuals affected with PRKAG2-related conditions. Invitae Evidence Modeling of protein sequence and biophysical properties (such as structural, functional, and spatial information, amino acid conservation, physicochemical variation, residue mobility, and thermodynamic stability) indicates that this missense variant is not expected to disrupt PRKAG2 protein function with a negative predictive value of 95%. In summary, the available evidence is currently insufficient to determine the role of this variant in disease. Therefore, it has been classified as a Variant of Uncertain Significance.

NM_016203.4(PRKAG2):c.1234A>T (p.Met412Leu)

Gene: PRKAG2 (protein kinase AMP-activated non-catalytic subunit gamma 2; minus strand). Cytogenetic location: 7q36.1.
Variant type: single nucleotide variant.
Coding change: c.1234A>T on transcript NM_016203.4 (MANE Select); coding-DNA position 1234, A replaced by T.
Protein change: p.Met412Leu; replaces methionine 412 with leucine.
Molecular consequence: missense variant.
Genome position (GRCh38, 1-based): chr7:151,565,885, T>A on the plus strand (A>T on the coding strand, the complement: PRKAG2 is on the minus strand). VCF-style: chr7-151565885-T-A. GRCh37 (hg19) VCF-style: chr7-151262971-T-A.
Other names: c.1102A>T, p.Met368Leu (NM_001040633.2, NM_001407024.1); c.859A>T, p.Met287Leu (NM_001304527.2, NM_001407029.1); c.511A>T, p.Met171Leu (NM_001304531.2, NM_001407034.1, NM_001407035.1 and 1 more transcripts); c.862A>T, p.Met288Leu (NM_001363698.2, NM_001407028.1); c.1234A>T, p.Met412Leu (NM_001407021.1); c.1231A>T, p.Met411Leu (NM_001407022.1, NM_001407023.1); c.1099A>T, p.Met367Leu (NM_001407026.1, NM_001407027.1); c.946A>T, p.Met316Leu (NM_001407030.1); and 6 more; short protein forms M304L, M306L, M367L, M411L, M170L, M315L, M368L, M191L.
Identifiers: ClinVar variation 4767620 (VCV004767620.1).